The following is an entry in ClinVar:

NM_003998.4(NFKB1):c.1119_1120del (p.Asp373fs)

Gene: NFKB1 (nuclear factor kappa B subunit 1; plus strand). Cytogenetic location: 4q24.
Variant type: Deletion.
Coding change: c.1119_1120del on transcript NM_003998.4 (MANE Select); coding-DNA positions 1119 to 1120, 2 bases deleted (TA; older notation c.1119_1120delTA).
Protein change: p.Asp373fs; shifts the reading frame from aspartic acid 373.
Molecular consequence: frameshift variant.
Genome position (GRCh38, 1-based): chr4:102,593,477-102,593,478, TA deleted; deleting any 2 consecutive bases within chr4:102,593,476-102,593,478 gives the same sequence; the c. name uses the placement nearest the transcript's 3' end. VCF-style (leftmost placement, unchanged base first): chr4-102593475-GAT-G. GRCh37 (hg19) VCF-style: chr4-103514632-GAT-G.
Other names: c.1116_1117del, p.Asp372fs (NM_001165412.2, NM_001319226.2, NM_001382627.1); c.1119_1120del, p.Asp373fs (NM_001382625.1, NM_001382626.1); c.1077_1078del, p.Asp359fs (NM_001382628.1); short protein forms D359fs, D372fs, D373fs.
Identifiers: ClinVar variation 2038265 (VCV002038265.4), dbSNP rs2476487058, ClinGen allele CA2580071560.
Genomic context (GRCh38, chr4:102,593,475, plus strand): 5'-TTAAATACAGATAAAGAAGAAGTGCAGAGGAAACGTCAGAAGCTCATGCCCAATTTTTCG[GAT>G]AGTTTCGGCGGTGGTAGTGGTGCTGGAGCTGGAGGCGGAGGCATGTTTGGTAGTGGCGGT-3'

ClinVar aggregate classification (germline): Pathogenic (1 of 4 stars; one submission).

Submission:

Labcorp Genetics (formerly Invitae), Labcorp
Classification: Pathogenic. Last evaluated: 2021-12-08. Review status: criteria provided, single submitter. Criteria: Invitae Variant Classification Sherloc (09022015). Collection method: clinical testing. Allele origin: germline.
Comment: For these reasons, this variant has been classified as Pathogenic. This sequence change creates a premature translational stop signal (p.Asp373Glufs*6) in the NFKB1 gene. It is expected to result in an absent or disrupted protein product. Loss-of-function variants in NFKB1 are known to be pathogenic (PMID: 26279205, 29477724). This variant is not present in population databases (gnomAD no frequency). This variant has not been reported in the literature in individuals affected with NFKB1-related conditions.

Literature cited by the submitters: PubMed 26279205; PubMed 29477724.